The following is an entry in ClinVar:

ClinVar aggregate classification (germline): Uncertain significance. Review status: criteria provided, multiple submitters, no conflicts (2 of 4 stars). 2 submissions from 2 submitters: Uncertain significance (2). Last evaluated 2025-07-30.

Conditions:
Cardiovascular phenotype. Identifiers: MedGen CN230736.

gnomAD v4.1: 2 of 1,550,256 alleles (0.00013%); highest among the groups gnomAD compares: East Asian, 0.0049%; no homozygotes.

Submissions (2):

Women's Health and Genetics/Laboratory Corporation of America, LabCorp
Classification: Uncertain significance. Last evaluated: 2025-07-30. Review status: criteria provided, single submitter. Criteria: LabCorp Variant Classification Summary - May 2015. Collection method: clinical testing. Allele origin: germline.
Comment: Variant summary: ZNF469 c.7898A>G (p.Lys2633Arg) results in a conservative amino acid change in the encoded protein sequence. Algorithms developed to predict the effect of missense changes on protein structure and function are either unavailable or do not agree on the potential impact of this missense change. The variant allele was found at a frequency of 2e-05 in 153704 control chromosomes. The available data on variant occurrences in the general population are insufficient to allow any conclusion about variant significance. To our knowledge, no occurrence of c.7898A>G in individuals affected with Brittle cornea syndrome 1 and no experimental evidence demonstrating its impact on protein function have been reported. ClinVar contains an entry for this variant (Variation ID: 3821175). Based on the evidence outlined above, the variant was classified as uncertain significance.

Ambry Genetics
Classification: Uncertain significance for Cardiovascular phenotype. Last evaluated: 2025-03-13. Review status: criteria provided, single submitter. Criteria: Ambry Variant Classification Scheme 2023. Collection method: clinical testing. Allele origin: germline.
Comment: The p.K2605R variant (also known as c.7814A>G), located in coding exon 2 of the ZNF469 gene, results from an A to G substitution at nucleotide position 7814. The lysine at codon 2605 is replaced by arginine, an amino acid with highly similar properties. This amino acid position is conserved. In addition, this alteration is predicted to be tolerated by in silico analysis. Based on the available evidence, the clinical significance of this variant remains unclear.

NM_001367624.2(ZNF469):c.7898A>G (p.Lys2633Arg)

Gene: ZNF469 (zinc finger protein 469; plus strand). Cytogenetic location: 16q24.2.
Variant type: single nucleotide variant.
Coding change: c.7898A>G on transcript NM_001367624.2 (MANE Select); coding-DNA position 7898, A replaced by G.
Protein change: p.Lys2633Arg; replaces lysine 2633 with arginine.
Molecular consequence: missense variant.
Genome position (GRCh38, 1-based): chr16:88,435,368, A>G. VCF-style: chr16-88435368-A-G. GRCh37 (hg19) VCF-style: chr16-88501776-A-G.
Other names: NM_001127464.1:c.7814A>G; short protein forms K2633R.
Identifiers: ClinVar variation 3821175 (VCV003821175.2).